The following is an entry in ClinVar:

NM_004793.4(LONP1):c.1622A>C (p.Asn541Thr)

Gene: LONP1 (lon peptidase 1, mitochondrial; minus strand). Cytogenetic location: 19p13.3.
Variant type: single nucleotide variant.
Coding change: c.1622A>C on transcript NM_004793.4 (MANE Select); coding-DNA position 1622, A replaced by C.
Protein change: p.Asn541Thr; replaces asparagine 541 with threonine.
Molecular consequence: missense variant. On other transcripts: non-coding transcript variant (1).
Genome position (GRCh38, 1-based): chr19:5,699,090, T>G on the plus strand (A>C on the coding strand, the complement: LONP1 is on the minus strand). VCF-style: chr19-5699090-T-G. GRCh37 (hg19) VCF-style: chr19-5699101-T-G.
Other names: c.1430A>C, p.Asn477Thr (NM_001276479.2); c.1034A>C, p.Asn345Thr (NM_001276480.1); short protein forms N477T, N345T, N541T.
Identifiers: ClinVar variation 4709736 (VCV004709736.1).

ClinVar aggregate classification (germline): Uncertain significance (1 of 4 stars; one submission).

Submission:

Labcorp Genetics (formerly Invitae), Labcorp
Classification: Uncertain significance. Last evaluated: 2025-04-02. Review status: criteria provided, single submitter. Criteria: Invitae Variant Classification Sherloc (09022015). Collection method: clinical testing. Allele origin: germline.
Comment: This sequence change replaces asparagine, which is neutral and polar, with threonine, which is neutral and polar, at codon 541 of the LONP1 protein (p.Asn541Thr). This variant is not present in population databases (gnomAD no frequency). This variant has not been reported in the literature in individuals affected with LONP1-related conditions. Invitae Evidence Modeling of protein sequence and biophysical properties (such as structural, functional, and spatial information, amino acid conservation, physicochemical variation, residue mobility, and thermodynamic stability) has been performed for this missense variant. However, the output from this modeling did not meet the statistical confidence thresholds required to predict the impact of this variant on LONP1 protein function. In summary, the available evidence is currently insufficient to determine the role of this variant in disease. Therefore, it has been classified as a Variant of Uncertain Significance.